The following is an entry in ClinVar:

NM_052947.4(ALPK2):c.5732G>C (p.Gly1911Ala)

Gene: ALPK2 (alpha kinase 2; minus strand). Cytogenetic location: 18q21.31.
Variant type: single nucleotide variant.
Coding change: c.5732G>C on transcript NM_052947.4 (MANE Select); coding-DNA position 5732, G replaced by C.
Protein change: p.Gly1911Ala; replaces glycine 1911 with alanine.
Molecular consequence: missense variant.
Genome position (GRCh38, 1-based): chr18:58,517,116, C>G on the plus strand (G>C on the coding strand, the complement: ALPK2 is on the minus strand). VCF-style: chr18-58517116-C-G. GRCh37 (hg19) VCF-style: chr18-56184348-C-G.
Other names: short protein forms G1911A.
Identifiers: ClinVar variation 2449302 (VCV002449302.2), dbSNP rs2518862953, ClinGen allele CA402549047.

ClinVar aggregate classification (germline): Uncertain significance (1 of 4 stars; one submission).

Submission:

Ambry Genetics
Classification: Uncertain significance. Last evaluated: 2023-02-28. Review status: criteria provided, single submitter. Criteria: Ambry Variant Classification Scheme 2023. Collection method: clinical testing. Allele origin: germline.
Comment: The p.G1911A variant (also known as c.5732G>C), located in coding exon 8 of the ALPK2 gene, results from a G to C substitution at nucleotide position 5732. The glycine at codon 1911 is replaced by alanine, an amino acid with similar properties. This amino acid position is conserved. In addition, this alteration is predicted to be tolerated by in silico analysis. Since supporting evidence is limited at this time, the clinical significance of this alteration remains unclear.